The following is an entry in ClinVar:

NM_001429.4(EP300):c.5366G>A (p.Cys1789Tyr)

Gene: EP300 (EP300 lysine acetyltransferase; plus strand). Cytogenetic location: 22q13.2.
Variant type: single nucleotide variant.
Coding change: c.5366G>A on transcript NM_001429.4 (MANE Select); coding-DNA position 5366, G replaced by A.
Protein change: p.Cys1789Tyr; replaces cysteine 1789 with tyrosine.
Molecular consequence: missense variant.
Genome position (GRCh38, 1-based): chr22:41,177,077, G>A. VCF-style: chr22-41177077-G-A. GRCh37 (hg19) VCF-style: chr22-41573081-G-A.
Other names: c.5288G>A, p.Cys1763Tyr (NM_001362843.2); short protein forms C1763Y, C1789Y.
Identifiers: ClinVar variation 1878730 (VCV001878730.6), dbSNP rs2517832360, ClinGen allele CA411708800.

ClinVar aggregate classification (germline): Uncertain significance (1 of 4 stars; one submission).

Submission:

GeneDx
Classification: Uncertain significance. Last evaluated: 2025-10-29. Review status: criteria provided, single submitter. Criteria: GeneDx Variant Classification Process June 2021. Collection method: clinical testing. Allele origin: germline. Affected: yes.
Comment: Not observed at significant frequency in large population cohorts (gnomAD); In silico analysis supports that this missense variant has a deleterious effect on protein structure/function; Has not been previously published as pathogenic or benign to our knowledge